The following is an entry in ClinVar:

NM_020207.7(ERCC6L2):c.640G>A (p.Asp214Asn)

Gene: ERCC6L2 (ERCC excision repair 6 like 2; plus strand). Cytogenetic location: 9q22.32.
Variant type: single nucleotide variant.
Coding change: c.640G>A on transcript NM_020207.7 (MANE Select); coding-DNA position 640, G replaced by A.
Protein change: p.Asp214Asn; replaces aspartic acid 214 with asparagine.
Molecular consequence: missense variant. On other transcripts: non-coding transcript variant (1).
Genome position (GRCh38, 1-based): chr9:95,907,123, G>A. VCF-style: chr9-95907123-G-A. GRCh37 (hg19) VCF-style: chr9-98669405-G-A.
Other names: c.640G>A, p.Asp214Asn (NM_001010895.4, NM_001375291.1, NM_001375292.1 and 2 more transcripts); short protein forms D214N.
Identifiers: ClinVar variation 3509950 (VCV003509950.4).

ClinVar aggregate classification (germline): Uncertain significance. Review status: criteria provided, multiple submitters, no conflicts (2 of 4 stars). 3 submissions from 3 submitters: Uncertain significance (3). Last evaluated 2024-10-02.

Conditions:
Inborn genetic diseases. Identifiers: MedGen C0950123, MeSH D030342.

gnomAD v4.1: 19 of 1,612,958 alleles (0.0012%); highest among the groups gnomAD compares: Non-Finnish European, 0.0014%; no homozygotes.

Submissions (3):

Ambry Genetics
Classification: Uncertain significance for Inborn genetic diseases. Last evaluated: 2024-10-02. Review status: criteria provided, single submitter. Criteria: Ambry Variant Classification Scheme 2023. Collection method: clinical testing. Allele origin: germline.
Comment: The p.D214N variant (also known as c.640G>A), located in coding exon 4 of the ERCC6L2 gene, results from a G to A substitution at nucleotide position 640. The aspartic acid at codon 214 is replaced by asparagine, an amino acid with highly similar properties. This amino acid position is conserved. In addition, the in silico prediction for this alteration is inconclusive. Based on the available evidence, the clinical significance of this variant remains unclear.

Labcorp Genetics (formerly Invitae), Labcorp
Classification: Uncertain significance. Last evaluated: 2024-08-12. Review status: criteria provided, single submitter. Criteria: Invitae Variant Classification Sherloc (09022015). Collection method: clinical testing. Allele origin: germline.
Comment: This sequence change replaces aspartic acid, which is acidic and polar, with asparagine, which is neutral and polar, at codon 225 of the ERCC6L2 protein (p.Asp225Asn). This variant is not present in population databases (gnomAD no frequency). This variant has not been reported in the literature in individuals affected with ERCC6L2-related conditions. Experimental studies and prediction algorithms are not available or were not evaluated, and the functional significance of this variant is currently unknown. In summary, the available evidence is currently insufficient to determine the role of this variant in disease. Therefore, it has been classified as a Variant of Uncertain Significance.

Blueprint Genetics
Classification: Uncertain significance. Last evaluated: 2023-02-22. Review status: criteria provided, single submitter. Criteria: ACMG Guidelines, 2015. Collection method: clinical testing. Allele origin: germline.